The following is an entry in ClinVar:

ClinVar aggregate classification (germline): Uncertain significance (1 of 4 stars; one submission).

Conditions:
Stickler syndrome, type 4 (STL4). Identifiers: Orphanet 250984, Orphanet 828, MedGen C3279941, MONDO:0013590, OMIM 614134.

gnomAD v4.1: 2 of 1,614,068 alleles (0.00012%); highest among the groups gnomAD compares: Non-Finnish European, 0.00017%; no homozygotes.

Submission:

Victorian Clinical Genetics Services, Murdoch Childrens Research Institute
Classification: Uncertain significance for Stickler syndrome, type 4. Last evaluated: 2020-10-15. Review status: criteria provided, single submitter. Criteria: ACMG Guidelines, 2015. Collection method: clinical testing. Allele origin: germline. Inheritance: Autosomal recessive inheritance.
Comment: Based on the classification scheme VCGS_Germline_v1.3.3, this variant is classified as 3B-VUS. Following criteria are met: 0102 - Loss of function is a known mechanism of disease in this gene and is associated with Stickler syndrome, type IV (MIM#614134). (I) 0107 - This gene is associated with autosomal dominant disease. (I) 0200 - Variant is predicted to result in a missense amino acid change from glycine to arginine. (I) 0251 - This variant is heterozygous. (I) 0301 - Variant is absent from gnomAD (both v2 and v3). (SP) 0501 - Missense variant consistently predicted to be damaging by multiple in silico tools or highly conserved with a major amino acid change. (SP) 0600 - Variant is located in the annotated triple helix domain (PDB) however, no glycine residues in this region are pathogenic. (I) 0705 - No comparable missense variants have previous evidence for pathogenicity. (I) 0804 - This variant has once been previously described as a variant of uncertain significance despite being absent in the general population (LOVD database). (I) 0905 - No published segregation evidence has been identified for this variant. (I) 1007 - No published functional evidence has been identified for this variant. (I) 1208 - Inheritance information for this variant is not currently available in this individual. (I) Legend: (SP) - Supporting pathogenic, (I) - Information, (SB) - Supporting benign

NM_001851.6(COL9A1):c.2260G>C (p.Gly754Arg)

Gene: COL9A1 (collagen type IX alpha 1 chain; minus strand). Cytogenetic location: 6q13.
Variant type: single nucleotide variant.
Coding change: c.2260G>C on transcript NM_001851.6 (MANE Select); coding-DNA position 2260, G replaced by C.
Protein change: p.Gly754Arg; replaces glycine 754 with arginine.
Molecular consequence: missense variant. On other transcripts: non-coding transcript variant (1).
Genome position (GRCh38, 1-based): chr6:70,234,593, C>G on the plus strand (G>C on the coding strand, the complement: COL9A1 is on the minus strand). VCF-style: chr6-70234593-C-G. GRCh37 (hg19) VCF-style: chr6-70944296-C-G.
Other names: c.1561G>C, p.Gly521Arg (NM_001377289.1); c.1384G>C, p.Gly462Arg (NM_001377290.1); c.1531G>C, p.Gly511Arg (NM_078485.4); short protein forms G462R, G511R, G521R, G754R.
Identifiers: ClinVar variation 1805759 (VCV001805759.2), dbSNP rs1769777375, ClinGen allele CA364672978.
Genomic context (GRCh38, chr6:70,234,593, plus strand): 5'-ATTTACCTTGTATGACTCTCATGCAAACCTGCTTAATGTGCTGATCTGTCGGTGCTCTAC[C>G]CTGGGACAGAAAAGAAAAAAAGGCAGTTTATGCATGAAACCATAAAGAGAACATTGTTAA-3'
Protein context (NP_001842.3, residues 744-764): TGLPGVQGPP[Gly754Arg]RAPTDQHIKQ